The following is an entry in ClinVar:

ClinVar aggregate classification (germline): Conflicting classifications of pathogenicity. Review status: criteria provided, conflicting classifications (1 of 4 stars). 5 submissions from 5 submitters: Uncertain significance (4); Likely benign (1). Last evaluated 2025-07-02.

Conditions:
SPTBN2-related disorder. Also called: SPTBN2-related condition.
Inborn genetic diseases. Identifiers: MedGen C0950123, MeSH D030342.

Allele frequency attached by ClinVar (database versions not stated): gnomAD 0.00005 and 0.00004; gnomAD exomes 0.00005 and 0.00007; ExAC 0.00008; TOPMed 0.00008.
gnomAD v4.1: 84 of 1,612,006 alleles (0.0052%); highest among the groups gnomAD compares: Middle Eastern, 0.016%; 2 homozygotes.

Submissions (5):

PreventionGenetics, part of Exact Sciences
Classification: Uncertain significance for SPTBN2-related condition. Last evaluated: 2025-07-02. Review status: criteria provided, single submitter. Criteria: ACMG Guidelines, 2015. Collection method: clinical testing. Allele origin: germline.
Comment: The SPTBN2 c.2647C>T variant is predicted to result in the amino acid substitution p.Arg883Cys. To our knowledge, this variant has not been reported in the literature. This variant is reported in 0.011% of alleles in individuals of European (Non-Finnish) descent in gnomAD. Of note, a different variant impacting the same amino acid (p.Arg883Leu) has been reported in a patient with spinocerebellar ataxia type 5 (Bian et al. 2021. PubMed ID: 33797620). At this time, the clinical significance of the c.2647C>T (p.Arg883Cys) variant is uncertain due to the absence of conclusive functional and genetic evidence.

Labcorp Genetics (formerly Invitae), Labcorp
Classification: Likely benign. Last evaluated: 2024-11-11. Review status: criteria provided, single submitter. Criteria: Invitae Variant Classification Sherloc (09022015). Collection method: clinical testing. Allele origin: germline.

Ambry Genetics
Classification: Uncertain significance for Inborn genetic diseases. Last evaluated: 2021-10-26. Review status: criteria provided, single submitter. Criteria: Ambry Variant Classification Scheme 2023. Collection method: clinical testing. Allele origin: germline.

Athena Diagnostics
Classification: Uncertain significance. Last evaluated: 2020-07-16. Review status: criteria provided, single submitter. Criteria: Athena Diagnostics Criteria. Collection method: clinical testing. Allele origin: unknown.

CeGaT Center for Human Genetics Tuebingen
Classification: Uncertain significance. Last evaluated: 2020-02-01. Review status: criteria provided, single submitter. Criteria: CeGaT Center For Human Genetics Tuebingen Variant Classification Criteria Version 2. Collection method: clinical testing. Allele origin: germline. Affected: yes. Observed: 1 variant allele.

NM_006946.4(SPTBN2):c.2647C>T (p.Arg883Cys)

Gene: SPTBN2 (spectrin beta, non-erythrocytic 2; minus strand). Cytogenetic location: 11q13.2.
Variant type: single nucleotide variant.
Coding change: c.2647C>T on transcript NM_006946.4 (MANE Select); coding-DNA position 2647, C replaced by T.
Protein change: p.Arg883Cys; replaces arginine 883 with cysteine.
Molecular consequence: missense variant.
Genome position (GRCh38, 1-based): chr11:66,704,629, G>A on the plus strand (C>T on the coding strand, the complement: SPTBN2 is on the minus strand). VCF-style: chr11-66704629-G-A. GRCh37 (hg19) VCF-style: chr11-66472100-G-A.
Other names: short protein forms R883C.
Identifiers: ClinVar variation 448487 (VCV000448487.49), dbSNP rs761263852, ClinGen allele CA6129077.
Genomic context (GRCh38, chr11:66,704,629, plus strand): 5'-TGGTCCCACTAGGAGCCTGAGGGGCCTACCTCTGCTGCACGACCTCCAGGTCCTCCAGGC[G>A]TTCAGGCAGGGCCAGCCCGTTGAGCCACTGCTCCTTCTCCTCCACCCAGAGTCCACAGGC-3'
Protein context (NP_008877.2, residues 873-893): QWLNGLALPE[Arg883Cys]LEDLEVVQQR